The following is an entry in ClinVar:

ClinVar aggregate classification (germline): Uncertain significance (1 of 4 stars; one submission).

Submission:

Labcorp Genetics (formerly Invitae), Labcorp
Classification: Uncertain significance. Last evaluated: 2025-07-21. Review status: criteria provided, single submitter. Criteria: Invitae Variant Classification Sherloc (09022015). Collection method: clinical testing. Allele origin: germline.
Comment: This sequence change falls in intron 16 of the IL6ST gene. It does not directly change the encoded amino acid sequence of the IL6ST protein. It affects a nucleotide within the consensus splice site. This variant is not present in population databases (gnomAD no frequency). This variant has not been reported in the literature in individuals affected with IL6ST-related conditions. ClinVar contains an entry for this variant (Variation ID: 2872819). Variants that disrupt the consensus splice site are a relatively common cause of aberrant splicing (PMID: 17576681, 9536098). Algorithms developed to predict the effect of sequence changes on RNA splicing suggest that this variant is not likely to affect RNA splicing. In summary, the available evidence is currently insufficient to determine the role of this variant in disease. Therefore, it has been classified as a Variant of Uncertain Significance.

Literature cited by the submitters: PubMed 17576681; PubMed 9536098.

NM_002184.4(IL6ST):c.2019+3A>G

Gene: IL6ST (interleukin 6 cytokine family signal transducer; minus strand). Cytogenetic location: 5q11.2.
Variant type: single nucleotide variant.
Coding change: c.2019+3A>G on transcript NM_002184.4 (MANE Select); 3 bases into the intron after coding-DNA position 2019, A replaced by G.
Molecular consequence: intron variant.
Genome position (GRCh38, 1-based): chr5:55,942,667, T>C on the plus strand (A>G on the coding strand, the complement: IL6ST is on the minus strand). VCF-style: chr5-55942667-T-C. GRCh37 (hg19) VCF-style: chr5-55238495-T-C.
Other names: c.1809+3A>G (NM_001364276.2); c.1023+3A>G (NM_001364279.2); c.1116+3A>G (NM_001364278.2); c.1152+3A>G (NM_001364277.2); c.*946+3A>G (NM_175767.3); c.1836+3A>G (NM_001190981.2); c.1917+3A>G (NM_001364275.2).
Identifiers: ClinVar variation 2872819 (VCV002872819.3), dbSNP rs2533435946, ClinGen allele CA2739274732.